The following is an entry in ClinVar:

ClinVar aggregate classification (germline): Likely benign. Review status: criteria provided, multiple submitters, no conflicts (2 of 4 stars). 5 submissions from 5 submitters: Likely benign (4). 1 of the submissions does not count toward it. Last evaluated 2026-04-01.

Conditions:
ZNFX1-related disorder. Also called: ZNFX1-related condition.

Allele frequency attached by ClinVar (database versions not stated): ExAC 0.00191; ESP Exome Variant Server 0.00192; gnomAD 0.00228 and 0.00231; TOPMed 0.00260; 1000 Genomes Project 30x 0.00312; 1000 Genomes Project 0.00319.

Submissions (5):

CeGaT Center for Human Genetics Tuebingen
Classification: Likely benign. Last evaluated: 2026-04-01. Review status: criteria provided, single submitter. Criteria: CeGaT Center For Human Genetics Tuebingen Variant Classification Criteria Version 2. Collection method: clinical testing. Allele origin: germline. Affected: yes. Observed: 2 variant alleles.
Comment: ZNFX1: BS2

Genomic Medicine Center of Excellence, King Faisal Specialist Hospital and Research Centre
Classification: Likely benign. Last evaluated: 2025-08-18. Review status: criteria provided, single submitter. Criteria: ACMG Guidelines, 2015. Collection method: clinical testing. Allele origin: germline.

Labcorp Genetics (formerly Invitae), Labcorp
Classification: Likely benign. Last evaluated: 2019-12-31. Review status: criteria provided, single submitter. Criteria: Invitae Variant Classification Sherloc (09022015). Collection method: clinical testing. Allele origin: germline.

Breakthrough Genomics
Classification: Likely benign. Review status: criteria provided, single submitter. Criteria: ACMG Guidelines, 2015. Collection method: not provided. Allele origin: germline. Inheritance: Autosomal recessive inheritance. Affected: yes.

PreventionGenetics, part of Exact Sciences
Classification: Likely benign for ZNFX1-related condition. Last evaluated: 2023-09-08. Review status: no assertion criteria provided. Collection method: clinical testing. Allele origin: germline. Not counted in ClinVar's aggregate classification.
Comment: This variant is classified as likely benign based on ACMG/AMP sequence variant interpretation guidelines (Richards et al. 2015 PMID: 25741868, with internal and published modifications).

NM_021035.3(ZNFX1):c.1181G>A (p.Ser394Asn)

Gene: ZNFX1 (zinc finger NFX1-type containing 1; minus strand). Cytogenetic location: 20q13.13.
Variant type: single nucleotide variant.
Coding change: c.1181G>A on transcript NM_021035.3 (MANE Select); coding-DNA position 1181, G replaced by A.
Protein change: p.Ser394Asn; replaces serine 394 with asparagine.
Molecular consequence: missense variant.
Genome position (GRCh38, 1-based): chr20:49,270,631, C>T on the plus strand (G>A on the coding strand, the complement: ZNFX1 is on the minus strand). VCF-style: chr20-49270631-C-T. GRCh37 (hg19) VCF-style: chr20-47887168-C-T.
Other names: short protein forms S394N.
Identifiers: ClinVar variation 721132 (VCV000721132.31), dbSNP rs142531207, ClinGen allele CA9902547.
Genomic context (GRCh38, chr20:49,270,631, plus strand): 5'-GTGTCAAAGTAGATTCGGATGTCATCAAACTTTCTCTTCCTCAGGCCCTGGTCTTCAAAG[C>T]TTTGGAGAAGTTCCAAAATACCTTCCCGTAAAGGTCTGACGAAATCTTCTCGCAGGAGCC-3'
Protein context (NP_066363.1, residues 384-404): LREGILELLQ[Ser394Asn]FEDQGLRKRK